The following is an entry in ClinVar:

ClinVar aggregate classification (germline): Uncertain significance (1 of 4 stars; one submission).

Conditions:
Hereditary cancer-predisposing syndrome. Also called: Neoplastic Syndromes, Hereditary; Tumor predisposition; Hereditary neoplastic syndrome; Hereditary Cancer Syndrome. Identifiers: Orphanet 140162, MedGen C0027672, MeSH D009386, MONDO:0015356.

Allele frequency attached by ClinVar (database versions not stated): gnomAD exomes below 0.00001.
gnomAD v4.1: 1 of 1,613,832 alleles (0.000062%); highest among the groups gnomAD compares: Non-Finnish European, 0.000085%; no homozygotes.

Submission:

Ambry Genetics
Classification: Uncertain significance for Hereditary cancer-predisposing syndrome. Last evaluated: 2023-10-27. Review status: criteria provided, single submitter. Criteria: Ambry Variant Classification Scheme 2023. Collection method: clinical testing. Allele origin: germline.
Comment: The p.I116T variant (also known as c.347T>C), located in coding exon 4 of the CDC73 gene, results from a T to C substitution at nucleotide position 347. The isoleucine at codon 116 is replaced by threonine, an amino acid with similar properties. This amino acid position is conserved. In addition, the in silico prediction for this alteration is inconclusive. Since supporting evidence is limited at this time, the clinical significance of this alteration remains unclear.

NM_024529.5(CDC73):c.347T>C (p.Ile116Thr)

Gene: CDC73 (cell division cycle 73; plus strand). Cytogenetic location: 1q31.2.
Variant type: single nucleotide variant.
Coding change: c.347T>C on transcript NM_024529.5 (MANE Select); coding-DNA position 347, T replaced by C.
Protein change: p.Ile116Thr; replaces isoleucine 116 with threonine.
Molecular consequence: missense variant.
Genome position (GRCh38, 1-based): chr1:193,135,430, T>C. VCF-style: chr1-193135430-T-C. GRCh37 (hg19) VCF-style: chr1-193104560-T-C.
Other names: short protein forms I116T.
Identifiers: ClinVar variation 3227870 (VCV003227870.1), dbSNP rs2527311893, ClinGen allele CA343960449.